The following is an entry in ClinVar:

NM_001371623.1(TCOF1):c.2795C>G (p.Ser932Ter)

Gene: TCOF1 (treacle ribosome biogenesis factor 1; plus strand). Cytogenetic location: 5q32.
Variant type: single nucleotide variant.
Coding change: c.2795C>G on transcript NM_001371623.1 (MANE Select); coding-DNA position 2795, C replaced by G.
Protein change: p.Ser932Ter; replaces serine 932 with a stop codon.
Molecular consequence: nonsense.
Genome position (GRCh38, 1-based): chr5:150,379,668, C>G. VCF-style: chr5-150379668-C-G. GRCh37 (hg19) VCF-style: chr5-149759231-C-G.
Other names: c.2564C>G, p.Ser855Ter (NM_000356.4, NM_001135245.2); c.2795C>G, p.Ser932Ter (NM_001008657.3, NM_001135243.2, NM_001135244.2 and 1 more transcripts); short protein forms S855*, S932*.
Identifiers: ClinVar variation 543942 (VCV000543942.7), dbSNP rs1554138811, ClinGen allele CA361759472.

ClinVar aggregate classification (germline): Pathogenic (1 of 4 stars; one submission).

Conditions:
Treacher Collins syndrome 1 (TCS1). Also called: TCOF1-Related Treacher Collins Syndrome. Identifiers: Orphanet 861, MedGen CN315775, MONDO:0007944, OMIM 154500.

Submission:

Labcorp Genetics (formerly Invitae), Labcorp
Classification: Pathogenic for Treacher Collins syndrome 1. Last evaluated: 2017-12-04. Review status: criteria provided, single submitter. Criteria: Invitae Variant Classification Sherloc (09022015). Collection method: clinical testing. Allele origin: germline.
Comment: This sequence change creates a premature translational stop signal (p.Ser932*) in the TCOF1 gene. It is expected to result in an absent or disrupted protein product. For these reasons, this variant has been classified as Pathogenic. Loss-of-function variants in TCOF1 are known to be pathogenic (PMID: 8894686, 22317976). This variant has not been reported in the literature in individuals with TCOF1-related disease. This variant is not present in population databases (ExAC no frequency).

Literature cited by the submitters: PubMed 8894686; PubMed 22317976.